The following is an entry in ClinVar:

NM_206933.4(USH2A):c.1556A>G (p.Gln519Arg)

Gene: USH2A (usherin; minus strand). Cytogenetic location: 1q41.
Variant type: single nucleotide variant.
Coding change: c.1556A>G on transcript NM_206933.4 (MANE Select); coding-DNA position 1556, A replaced by G.
Protein change: p.Gln519Arg; replaces glutamine 519 with arginine.
Molecular consequence: missense variant.
Genome position (GRCh38, 1-based): chr1:216,321,971, T>C on the plus strand (A>G on the coding strand, the complement: USH2A is on the minus strand). VCF-style: chr1-216321971-T-C. GRCh37 (hg19) VCF-style: chr1-216495313-T-C.
Other names: c.1556A>G, p.Gln519Arg (NM_007123.6); short protein forms Q519R.
Identifiers: ClinVar variation 48469 (VCV000048469.51), dbSNP rs199672621, ClinGen allele CA143411.

ClinVar aggregate classification (germline): Uncertain significance. Review status: criteria provided, multiple submitters, no conflicts (2 of 4 stars). 8 submissions from 7 submitters: Uncertain significance (6). 2 of the submissions do not count toward it. Last evaluated 2023-11-04.

Conditions:
Retinitis pigmentosa 39 (RP39). Identifiers: Orphanet 791, MedGen C3151138, MONDO:0013436, OMIM 613809.
Usher syndrome type 2A. Also called: USHER SYNDROME, TYPE IIA; RETINAL DISEASE IN USHER SYNDROME TYPE IIA, MODIFIER OF. Identifiers: Orphanet 231178, Orphanet 886, MedGen C1848634, MONDO:0010169, OMIM 276901.

Allele frequency attached by ClinVar (database versions not stated): ExAC 0.00002; gnomAD exomes 0.00004 and 0.00006; TOPMed 0.00004; gnomAD 0.00007.
gnomAD v4.1: 97 of 1,613,774 alleles (0.006%); highest among the groups gnomAD compares: Non-Finnish European, 0.0078%; no homozygotes.

Submissions (8):

Genome-Nilou Lab
Classification: Uncertain significance for Retinitis pigmentosa 39. Last evaluated: 2023-11-04. Review status: criteria provided, single submitter. Criteria: ACMG Guidelines, 2015. Collection method: clinical testing. Allele origin: germline. Affected: no.

Genome-Nilou Lab
Classification: Uncertain significance for Usher syndrome type 2A. Last evaluated: 2023-11-04. Review status: criteria provided, single submitter. Criteria: ACMG Guidelines, 2015. Collection method: clinical testing. Allele origin: germline. Affected: no.

Blueprint Genetics
Classification: Uncertain significance. Last evaluated: 2022-08-02. Review status: criteria provided, single submitter. Criteria: ACMG Guidelines, 2015. Collection method: clinical testing. Allele origin: germline.

Labcorp Genetics (formerly Invitae), Labcorp
Classification: Uncertain significance. Last evaluated: 2022-03-31. Review status: criteria provided, single submitter. Criteria: Invitae Variant Classification Sherloc (09022015). Collection method: clinical testing. Allele origin: germline.
Comment: This sequence change replaces glutamine, which is neutral and polar, with arginine, which is basic and polar, at codon 519 of the USH2A protein (p.Gln519Arg). This variant is present in population databases (rs199672621, gnomAD 0.009%). This variant has not been reported in the literature in individuals affected with USH2A-related conditions. ClinVar contains an entry for this variant (Variation ID: 48469). Algorithms developed to predict the effect of missense changes on protein structure and function (SIFT, PolyPhen-2, Align-GVGD) all suggest that this variant is likely to be tolerated. In summary, the available evidence is currently insufficient to determine the role of this variant in disease. Therefore, it has been classified as a Variant of Uncertain Significance.

CeGaT Center for Human Genetics Tuebingen
Classification: Uncertain significance. Last evaluated: 2017-02-01. Review status: criteria provided, single submitter. Criteria: CeGaT Center For Human Genetics Tuebingen Variant Classification Criteria Version 2. Collection method: clinical testing. Allele origin: germline. Affected: yes. Observed: 1 variant allele.

Laboratory for Molecular Medicine, Mass General Brigham Personalized Medicine
Classification: Uncertain significance. Last evaluated: 2010-08-18. Review status: criteria provided, single submitter. Criteria: LMM Criteria. Collection method: clinical testing. Allele origin: germline. Observed: 1 variant allele.
Comment: Variant classified as Uncertain Significance - Favor Benign. The Gln519Arg varia nt in USH2A has not been reported in the literature but was identified in our la boratory in one indivudal with another clear etiology for hearing loss. This res idue is conserved in mammals; however, computational analyses (PolyPhen, SIFT, A lignGVGD) provide inconsistent predictions regarding the impact to the protein. It should be noted that this lab has only sequenced the USH2A gene in XXX indivi duals such that the full spectrum of benign variation has not yet been defined f or this gene, increasing the possibility that this may be a benign variant. In s ummary, the clinical significance of this variant cannot be determined with cert ainty at this time; however, based upon the arguments described above, we would lean towards a more likely benign role.

Natera, Inc.
Classification: Uncertain significance for Usher syndrome type 2A. Last evaluated: 2020-04-06. Review status: no assertion criteria provided. Collection method: clinical testing. Allele origin: germline. Not counted in ClinVar's aggregate classification.

Counsyl
Classification: Uncertain significance for Usher syndrome type 2A; Retinitis pigmentosa 39. Last evaluated: 2017-03-22. Review status: no assertion criteria provided. Collection method: clinical testing. Allele origin: unknown. Not counted in ClinVar's aggregate classification.